The following is an entry in ClinVar:

ClinVar aggregate classification (germline): Benign (1 of 4 stars; one submission).

Conditions:
Melanoma, cutaneous malignant, susceptibility to, 3. Also called: Cutaneous malignant melanoma 3. Identifiers: Orphanet 618, MedGen C1836892, MONDO:0012183, OMIM 609048.

Submission:

Myriad Genetics, Inc.
Classification: Benign for Melanoma, cutaneous malignant, susceptibility to, 3. Last evaluated: 2024-09-26. Review status: criteria provided, single submitter. Criteria: Myriad Autosomal Dominant, Autosomal Recessive and X-Linked Classification Criteria (2023). Collection method: clinical testing. Allele origin: unknown.
Comment: This variant is considered benign. This variant is a silent/synonymous amino acid change and it is not expected to impact splicing.

NM_000075.4(CDK4):c.639C>G (p.Leu213=)

Genes: TSPAN31 (tetraspanin 31; plus strand), CDK4 (cyclin dependent kinase 4; minus strand). Cytogenetic location: 12q14.1.
Variant type: single nucleotide variant.
Coding change: c.639C>G on transcript NM_000075.4 (MANE Select); coding-DNA position 639, C replaced by G.
Protein change: p.Leu213=; no amino-acid change (leucine 213 retained).
Molecular consequence: synonymous variant. On other transcripts: 3 prime UTR variant (3).
Genome position (GRCh38, 1-based): chr12:57,749,498, G>C on the plus strand (C>G on the coding strand, the complement: CDK4 is on the minus strand). VCF-style: chr12-57749498-G-C. GRCh37 (hg19) VCF-style: chr12-58143281-G-C.
Other names: c.*2208G>C (NM_001330168.2, NM_001330169.2, NM_005981.5).
Identifiers: ClinVar variation 3379189 (VCV003379189.1).